The following is an entry in ClinVar:

NM_001347721.2(DYRK1A):c.673C>A (p.Leu225Ile)

Gene: DYRK1A (dual specificity tyrosine phosphorylation regulated kinase 1A; plus strand). Cytogenetic location: 21q22.13.
Variant type: single nucleotide variant.
Coding change: c.673C>A on transcript NM_001347721.2 (MANE Select); coding-DNA position 673, C replaced by A.
Protein change: p.Leu225Ile; replaces leucine 225 with isoleucine.
Molecular consequence: missense variant.
Genome position (GRCh38, 1-based): chr21:37,490,210, C>A. VCF-style: chr21-37490210-C-A. GRCh37 (hg19) VCF-style: chr21-38862512-C-A.
Other names: c.673C>A, p.Leu225Ile (NM_001347722.2, NM_130436.2); c.586C>A, p.Leu196Ile (NM_001347723.2); c.700C>A, p.Leu234Ile (NM_001396.5, NM_101395.2, NM_130438.2); short protein forms L196I, L225I, L234I.
Identifiers: ClinVar variation 4527988 (VCV004527988.1).
Genomic context (GRCh38, chr21:37,490,210, plus strand): 5'-AAAATGAAACTGTTTTCTCTTTCAGTGCATTTGAAACGCCACTTTATGTTTCGAAACCAT[C>A]TCTGTTTAGTTTTTGAAATGCTGTCCTACAACCTCTATGACTTGCTGAGAAACACCAATT-3'
Protein context (NP_001334650.1, residues 215-235): LKRHFMFRNH[Leu225Ile]CLVFEMLSYN

ClinVar aggregate classification (germline): Uncertain significance (1 of 4 stars; one submission).

Submission:

GeneDx
Classification: Uncertain significance. Last evaluated: 2025-05-06. Review status: criteria provided, single submitter. Criteria: GeneDx Variant Classification Process June 2021. Collection method: clinical testing. Allele origin: germline. Affected: yes.
Comment: Not observed at significant frequency in large population cohorts (gnomAD); In silico analysis suggests that this missense variant does not alter protein structure/function; Has not been previously published as pathogenic or benign to our knowledge